The following is an entry in ClinVar:

NM_004447.6(EPS8):c.1913C>A (p.Pro638His)

Gene: EPS8 (EGFR pathway substrate 8, signaling adaptor; minus strand). Cytogenetic location: 12p12.3.
Variant type: single nucleotide variant.
Coding change: c.1913C>A on transcript NM_004447.6 (MANE Select); coding-DNA position 1913, C replaced by A.
Protein change: p.Pro638His; replaces proline 638 with histidine.
Molecular consequence: missense variant. On other transcripts: non-coding transcript variant (3).
Genome position (GRCh38, 1-based): chr12:15,631,573, G>T on the plus strand (C>A on the coding strand, the complement: EPS8 is on the minus strand). VCF-style: chr12-15631573-G-T. GRCh37 (hg19) VCF-style: chr12-15784507-G-T.
Other names: c.1913C>A, p.Pro638His (NM_001413834.1, NM_001413832.1, NM_001413833.1); c.1673C>A, p.Pro558His (NM_001413835.1, NM_001413836.1); c.1496C>A, p.Pro499His (NM_001413837.1); c.1133C>A, p.Pro378His (NM_001413838.1); c.1949C>A, p.Pro650His (NM_001413831.1); short protein forms P650H, P378H, P499H, P558H, P638H.
Identifiers: ClinVar variation 3393753 (VCV003393753.3).

ClinVar aggregate classification (germline): Uncertain significance. Review status: criteria provided, multiple submitters, no conflicts (2 of 4 stars). 3 submissions from 3 submitters: Uncertain significance (3). Last evaluated 2025-09-25.

Conditions:
Inborn genetic diseases. Identifiers: MedGen C0950123, MeSH D030342.
EPS8-related disorder. Also called: EPS8-related condition.

gnomAD v4.1: 30 of 1,614,036 alleles (0.0019%); highest among the groups gnomAD compares: African/African-American, 0.039%; no homozygotes.

Submissions (3):

Ambry Genetics
Classification: Uncertain significance for Inborn genetic diseases. Last evaluated: 2025-09-25. Review status: criteria provided, single submitter. Criteria: Ambry Variant Classification Scheme 2023. Collection method: clinical testing. Allele origin: germline.

PreventionGenetics, part of Exact Sciences
Classification: Uncertain significance for EPS8-related condition. Last evaluated: 2025-01-28. Review status: criteria provided, single submitter. Criteria: ACMG Guidelines, 2015. Collection method: clinical testing. Allele origin: germline.
Comment: The EPS8 c.1913C>A variant is predicted to result in the amino acid substitution p.Pro638His. To our knowledge, this variant has not been reported in the literature. This variant is reported in 0.048% of alleles in individuals of African descent in gnomAD. At this time, the clinical significance of this variant is uncertain due to the absence of conclusive functional and genetic evidence.

GeneDx
Classification: Uncertain significance. Last evaluated: 2024-07-03. Review status: criteria provided, single submitter. Criteria: GeneDx Variant Classification Process June 2021. Collection method: clinical testing. Allele origin: germline. Affected: yes.
Comment: In silico analysis indicates that this missense variant does not alter protein structure/function; Has not been previously published as pathogenic or benign to our knowledge